The following is an entry in ClinVar:

NM_014285.7(EXOSC2):c.804C>G (p.Ile268Met)

Gene: EXOSC2 (exosome component 2; plus strand). Cytogenetic location: 9q34.12.
Variant type: single nucleotide variant.
Coding change: c.804C>G on transcript NM_014285.7 (MANE Select); coding-DNA position 804, C replaced by G.
Protein change: p.Ile268Met; replaces isoleucine 268 with methionine.
Molecular consequence: missense variant. On other transcripts: non-coding transcript variant (1).
Genome position (GRCh38, 1-based): chr9:130,703,696, C>G. VCF-style: chr9-130703696-C-G. GRCh37 (hg19) VCF-style: chr9-133579083-C-G.
Other names: c.726C>G, p.Ile242Met (NM_001282708.1); c.714C>G, p.Ile238Met (NM_001282709.1); short protein forms I238M, I242M, I268M.
Identifiers: ClinVar variation 1391312 (VCV001391312.8), dbSNP rs1831267557, ClinGen allele CA375248472.
Genomic context (GRCh38, chr9:130,703,696, plus strand): 5'-TTGGTGGTCTGTTTATGGTTGGTTTCTTTTCTGAACAAATGCCTTTTCCCTTTTTCAGAT[C>G]AAAGACATCTTAAAGCCAGAAATAATGGAGGAGATTGTGATGGAAACACGCCAGAGGCTT-3'
Protein context (NP_055100.2, residues 258-278): YCYEASLPHQ[Ile268Met]KDILKPEIME

ClinVar aggregate classification (germline): Uncertain significance (1 of 4 stars; one submission).

Allele frequency attached by ClinVar (database versions not stated): gnomAD exomes below 0.00001; TOPMed below 0.00001.
gnomAD v4.1: 4 of 1,611,872 alleles (0.00025%); highest among the groups gnomAD compares: Non-Finnish European, 0.00034%; no homozygotes.

Submission:

Labcorp Genetics (formerly Invitae), Labcorp
Classification: Uncertain significance. Last evaluated: 2024-10-13. Review status: criteria provided, single submitter. Criteria: Invitae Variant Classification Sherloc (09022015). Collection method: clinical testing. Allele origin: germline.
Comment: This sequence change replaces isoleucine, which is neutral and non-polar, with methionine, which is neutral and non-polar, at codon 268 of the EXOSC2 protein (p.Ile268Met). This variant is not present in population databases (gnomAD no frequency). This variant has not been reported in the literature in individuals affected with EXOSC2-related conditions. ClinVar contains an entry for this variant (Variation ID: 1391312). An algorithm developed to predict the effect of missense changes on protein structure and function (PolyPhen-2) suggests that this variant is likely to be tolerated. In summary, the available evidence is currently insufficient to determine the role of this variant in disease. Therefore, it has been classified as a Variant of Uncertain Significance.